The following is an entry in ClinVar:

NM_001164760.2(PRKAR1B):c.549+5G>T

Genes: PRKAR1B (protein kinase cAMP-dependent type I regulatory subunit beta; minus strand), PRKAR1B-AS1 (PRKAR1B antisense RNA 1; plus strand). Cytogenetic location: 7p22.3.
Variant type: single nucleotide variant.
Coding change: c.549+5G>T on transcript NM_001164760.2 (MANE Select); 5 bases into the intron after coding-DNA position 549, G replaced by T.
Molecular consequence: intron variant.
Genome position (GRCh38, 1-based): chr7:606,188, C>A on the plus strand (G>T on the coding strand, the complement: PRKAR1B is on the minus strand). VCF-style: chr7-606188-C-A. GRCh37 (hg19) VCF-style: chr7-645825-C-A.
Other names: c.549+5G>T (NM_001164759.1, NM_001164758.2, NM_001164761.2 and 2 more transcripts).
Identifiers: ClinVar variation 3363314 (VCV003363314.1).

ClinVar aggregate classification (germline): Uncertain significance (1 of 4 stars; one submission).

gnomAD v4.1: 1 of 1,613,942 alleles (0.000062%); highest among the groups gnomAD compares: Non-Finnish European, 0.000085%; no homozygotes.

Submission:

GeneDx
Classification: Uncertain significance. Last evaluated: 2023-11-01. Review status: criteria provided, single submitter. Criteria: GeneDx Variant Classification Process June 2021. Collection method: clinical testing. Allele origin: germline. Affected: yes.
Comment: Not observed at significant frequency in large population cohorts (gnomAD); In silico analysis is inconclusive as to whether the variant alters gene splicing. In the absence of RNA/functional studies, the actual effect of this sequence change is unknown.; Has not been previously published as pathogenic or benign to our knowledge